The following is an entry in ClinVar:

NM_001458.5(FLNC):c.7649T>C (p.Leu2550Pro)

Genes: FLNC (filamin C; plus strand), FLNC-AS1 (FLNC antisense RNA 1; minus strand). Cytogenetic location: 7q32.1.
Variant type: single nucleotide variant.
Coding change: c.7649T>C on transcript NM_001458.5 (MANE Select); coding-DNA position 7649, T replaced by C.
Protein change: p.Leu2550Pro; replaces leucine 2550 with proline.
Molecular consequence: missense variant.
Genome position (GRCh38, 1-based): chr7:128,857,205, T>C. VCF-style: chr7-128857205-T-C. GRCh37 (hg19) VCF-style: chr7-128497259-T-C.
Other names: c.7550T>C, p.Leu2517Pro (NM_001127487.2); short protein forms L2517P, L2550P.
Identifiers: ClinVar variation 2930197 (VCV002930197.3), dbSNP rs2536671291, ClinGen allele CA369219513.

ClinVar aggregate classification (germline): Uncertain significance (1 of 4 stars; one submission).

Conditions:
Hypertrophic cardiomyopathy 26. Also called: Cardiomyopathy, familial hypertrophic, 26. Identifiers: Orphanet 75249, MedGen C4310749, MONDO:0014883, OMIM 617047.
Myofibrillar myopathy 5. Also called: Filaminopathy (type); FILAMINOPATHY, AUTOSOMAL DOMINANT. Identifiers: Orphanet 171445, MedGen C1836050, MONDO:0012289, OMIM 609524.
Distal myopathy with posterior leg and anterior hand involvement. Also called: WILLIAMS DISTAL MYOPATHY. Identifiers: Orphanet 63273, MedGen C3279722, MONDO:0013550, OMIM 614065.

Allele frequency attached by ClinVar (database versions not stated): gnomAD exomes below 0.00001.
gnomAD v4.1: 3 of 1,614,180 alleles (0.00019%); highest among the groups gnomAD compares: Middle Eastern, 0.017%; no homozygotes.

Submission:

Labcorp Genetics (formerly Invitae), Labcorp
Classification: Uncertain significance for Distal myopathy with posterior leg and anterior hand involvement; Myofibrillar myopathy 5; Hypertrophic cardiomyopathy 26. Last evaluated: 2023-09-04. Review status: criteria provided, single submitter. Criteria: Invitae Variant Classification Sherloc (09022015). Collection method: clinical testing. Allele origin: germline.
Comment: Advanced modeling of protein sequence and biophysical properties (such as structural, functional, and spatial information, amino acid conservation, physicochemical variation, residue mobility, and thermodynamic stability) performed at Invitae indicates that this missense variant is not expected to disrupt FLNC protein function. This sequence change replaces leucine, which is neutral and non-polar, with proline, which is neutral and non-polar, at codon 2550 of the FLNC protein (p.Leu2550Pro). This variant is not present in population databases (gnomAD no frequency). This variant has not been reported in the literature in individuals affected with FLNC-related conditions. In summary, the available evidence is currently insufficient to determine the role of this variant in disease. Therefore, it has been classified as a Variant of Uncertain Significance.